The following is an entry in ClinVar:

ClinVar aggregate classification (germline): Likely benign (0 of 4 stars; one submission).

Conditions:
INVS-related disorder. Also called: INVS-related condition.

Allele frequency attached by ClinVar (database versions not stated): gnomAD exomes below 0.00001; gnomAD 0.00001; TOPMed 0.00001.
gnomAD v4.1: 3 of 1,614,012 alleles (0.00019%); highest among the groups gnomAD compares: African/African-American, 0.0027%; no homozygotes.

Submission:

PreventionGenetics, part of Exact Sciences
Classification: Likely benign for INVS-related condition. Last evaluated: 2023-05-16. Review status: no assertion criteria provided. Collection method: clinical testing. Allele origin: germline.
Comment: This variant is classified as likely benign based on ACMG/AMP sequence variant interpretation guidelines (Richards et al. 2015 PMID: 25741868, with internal and published modifications).

NM_014425.5(INVS):c.2364T>C (p.Cys788=)

Gene: INVS (inversin; plus strand). Cytogenetic location: 9q31.1.
Variant type: single nucleotide variant.
Coding change: c.2364T>C on transcript NM_014425.5 (MANE Select); coding-DNA position 2364, T replaced by C.
Protein change: p.Cys788=; no amino-acid change (cysteine 788 retained).
Molecular consequence: synonymous variant. On other transcripts: non-coding transcript variant (1).
Genome position (GRCh38, 1-based): chr9:100,292,621, T>C. VCF-style: chr9-100292621-T-C. GRCh37 (hg19) VCF-style: chr9-103054903-T-C.
Other names: c.2076T>C, p.Cys692= (NM_001318381.2); c.1386T>C, p.Cys462= (NM_001318382.2).
Identifiers: ClinVar variation 3053731 (VCV003053731.2), dbSNP rs1032574487, ClinGen allele CA196895637.